The following is an entry in ClinVar:

ClinVar aggregate classification (germline): Likely benign (1 of 4 stars; one submission).

gnomAD v4.1: 39 of 1,608,916 alleles (0.0024%); highest among the groups gnomAD compares: South Asian, 0.01%; no homozygotes.

Submission:

CeGaT Center for Human Genetics Tuebingen
Classification: Likely benign. Last evaluated: 2026-04-01. Review status: criteria provided, single submitter. Criteria: CeGaT Center For Human Genetics Tuebingen Variant Classification Criteria Version 2. Collection method: clinical testing. Allele origin: germline. Affected: yes. Observed: 2 variant alleles.
Comment: MTSS2: BP4, BP7

NM_138383.3(MTSS2):c.1308C>T (p.His436=)

Gene: MTSS2 (MTSS I-BAR domain containing 2; minus strand). Cytogenetic location: 16q22.1.
Variant type: single nucleotide variant.
Coding change: c.1308C>T on transcript NM_138383.3 (MANE Select); coding-DNA position 1308, C replaced by T.
Protein change: p.His436=; no amino-acid change (histidine 436 retained).
Molecular consequence: synonymous variant.
Genome position (GRCh38, 1-based): chr16:70,664,761, G>A on the plus strand (C>T on the coding strand, the complement: MTSS2 is on the minus strand). VCF-style: chr16-70664761-G-A. GRCh37 (hg19) VCF-style: chr16-70698664-G-A.
Identifiers: ClinVar variation 3770928 (VCV003770928.13).